The following is an entry in ClinVar:

NM_021167.5(GATAD1):c.434del (p.Lys145fs)

Gene: GATAD1 (GATA zinc finger domain containing 1; plus strand). Cytogenetic location: 7q21.2.
Variant type: Deletion.
Coding change: c.434del on transcript NM_021167.5 (MANE Select); coding-DNA position 434, one base deleted (A; older notation c.434delA).
Protein change: p.Lys145fs; shifts the reading frame from lysine 145.
Molecular consequence: frameshift variant. On other transcripts: non-coding transcript variant (1).
Genome position (GRCh38, 1-based): chr7:92,450,759, A deleted; the last of 2 consecutive A bases (chr7:92,450,758-92,450,759); deleting either gives the same sequence. VCF-style (leftmost placement, unchanged base first): chr7-92450757-CA-C. GRCh37 (hg19) VCF-style: chr7-92080071-CA-C.
Other names: short protein forms K145fs.
Identifiers: ClinVar variation 4714021 (VCV004714021.1).

ClinVar aggregate classification (germline): Uncertain significance (1 of 4 stars; one submission).

Conditions:
Dilated cardiomyopathy 2B. Identifiers: Orphanet 154, MedGen C3553409, MONDO:0013848, OMIM 614672.

Submission:

Labcorp Genetics (formerly Invitae), Labcorp
Classification: Uncertain significance for Dilated cardiomyopathy 2B. Last evaluated: 2025-02-27. Review status: criteria provided, single submitter. Criteria: Invitae Variant Classification Sherloc (09022015). Collection method: clinical testing. Allele origin: germline.
Comment: This sequence change creates a premature translational stop signal (p.Lys145Argfs*13) in the GATAD1 gene. It is expected to result in an absent or disrupted protein product. However, the current clinical and genetic evidence is not sufficient to establish whether loss-of-function variants in GATAD1 cause disease. This variant is not present in population databases (gnomAD no frequency). This variant has not been reported in the literature in individuals affected with GATAD1-related conditions. In summary, the available evidence is currently insufficient to determine the role of this variant in disease. Therefore, it has been classified as a Variant of Uncertain Significance.